The following is an entry in ClinVar:

NM_000204.5(CFI):c.973C>G (p.Leu325Val)

Gene: CFI (complement factor I; minus strand). Cytogenetic location: 4q25.
Variant type: single nucleotide variant.
Coding change: c.973C>G on transcript NM_000204.5 (MANE Select); coding-DNA position 973, C replaced by G.
Protein change: p.Leu325Val; replaces leucine 325 with valine.
Molecular consequence: missense variant. On other transcripts: non-coding transcript variant (3).
Genome position (GRCh38, 1-based): chr4:109,749,570, G>C on the plus strand (C>G on the coding strand, the complement: CFI is on the minus strand). VCF-style: chr4-109749570-G-C. GRCh37 (hg19) VCF-style: chr4-110670726-G-C.
Other names: c.997C>G, p.Leu333Val (NM_001318057.2, NM_001375278.1); c.952C>G, p.Leu318Val (NM_001331035.2, NM_001375280.1, NM_001375282.1); c.973C>G, p.Leu325Val (NM_001375279.1, NM_001375281.1); c.916C>G, p.Leu306Val (NM_001375283.1); c.364C>G, p.Leu122Val (NM_001375284.1); short protein forms L122V, L333V, L306V, L318V, L325V.
Identifiers: ClinVar variation 3002421 (VCV003002421.3), dbSNP rs1175075045, ClinGen allele CA357859195.
Genomic context (GRCh38, chr4:109,749,570, plus strand): 5'-GCTTTCCTCCCACAATTCGTTTCCTTCGAATGTGCATTCTGTTTTTAACTCCACAAGATA[G>C]TTTAGGTAATAATGATTTTATCCGTCTTCTTTCTTCAAGAAAGGAAGAGATTACATCATT-3'
Protein context (NP_000195.3, residues 315-335): RRRIKSLLPK[Leu325Val]SCGVKNRMHI

ClinVar aggregate classification (germline): Uncertain significance (1 of 4 stars; one submission).

Allele frequency attached by ClinVar (database versions not stated): gnomAD exomes below 0.00001.
gnomAD v4.1: 1 of 1,610,524 alleles (0.000062%); highest among the groups gnomAD compares: East Asian, 0.0022%; no homozygotes.

Submission:

Labcorp Genetics (formerly Invitae), Labcorp
Classification: Uncertain significance. Last evaluated: 2023-03-03. Review status: criteria provided, single submitter. Criteria: Invitae Variant Classification Sherloc (09022015). Collection method: clinical testing. Allele origin: germline.
Comment: This sequence change replaces leucine, which is neutral and non-polar, with valine, which is neutral and non-polar, at codon 325 of the CFI protein (p.Leu325Val). This variant is not present in population databases (gnomAD no frequency). This variant has not been reported in the literature in individuals affected with CFI-related conditions. Advanced modeling of protein sequence and biophysical properties (such as structural, functional, and spatial information, amino acid conservation, physicochemical variation, residue mobility, and thermodynamic stability) performed at Invitae indicates that this missense variant is not expected to disrupt CFI protein function. In summary, the available evidence is currently insufficient to determine the role of this variant in disease. Therefore, it has been classified as a Variant of Uncertain Significance.